The following is an entry in ClinVar:

NM_007083.5(NUDT6):c.59C>T (p.Pro20Leu)

Gene: NUDT6 (nudix hydrolase 6; minus strand). Cytogenetic location: 4q28.1.
Variant type: single nucleotide variant.
Coding change: c.59C>T on transcript NM_007083.5 (MANE Select); coding-DNA position 59, C replaced by T.
Protein change: p.Pro20Leu; replaces proline 20 with leucine.
Molecular consequence: missense variant. On other transcripts: intron variant (1).
Genome position (GRCh38, 1-based): chr4:122,922,514, G>A on the plus strand (C>T on the coding strand, the complement: NUDT6 is on the minus strand). VCF-style: chr4-122922514-G-A. GRCh37 (hg19) VCF-style: chr4-123843669-G-A.
Other names: c.-270+287C>T (NM_198041.3); short protein forms P20L.
Identifiers: ClinVar variation 4985531 (VCV004985531.1).

ClinVar aggregate classification (germline): Likely benign (1 of 4 stars; one submission).

Conditions:
NUDT6-related disorder. Also called: NUDT6-related condition.

gnomAD v4.1: 529 of 1,608,938 alleles (0.033%); highest among the groups gnomAD compares: African/African-American, 0.38%; 1 homozygote.

Submission:

PreventionGenetics, part of Exact Sciences
Classification: Likely benign for NUDT6-related condition. Last evaluated: 2026-03-10. Review status: criteria provided, single submitter. Criteria: ACMG Guidelines, 2015. Collection method: clinical testing. Allele origin: germline.
Comment: This variant is classified as likely benign based on ACMG/AMP sequence variant interpretation guidelines (Richards et al. 2015 PMID: 25741868, with internal and published modifications).